The following is an entry in ClinVar:

NM_001754.5(RUNX1):c.729A>C (p.Pro243=)

Gene: RUNX1 (RUNX family transcription factor 1; minus strand). Cytogenetic location: 21q22.12.
Variant type: single nucleotide variant.
Coding change: c.729A>C on transcript NM_001754.5 (MANE Select); coding-DNA position 729, A replaced by C.
Protein change: p.Pro243=; no amino-acid change (proline 243 retained).
Molecular consequence: synonymous variant.
Genome position (GRCh38, 1-based): chr21:34,834,486, T>G on the plus strand (A>C on the coding strand, the complement: RUNX1 is on the minus strand). VCF-style: chr21-34834486-T-G. GRCh37 (hg19) VCF-style: chr21-36206783-T-G.
Other names: NM_001754.4(RUNX1):c.729A>C; p.Pro243=; c.648A>C, p.Pro216= (NM_001001890.3, NM_001122607.2).
Identifiers: ClinVar variation 436613 (VCV000436613.17), dbSNP rs999807714, ClinGen allele CA320603666.
Genomic context (GRCh38, chr21:34,834,486, plus strand): 5'-AGGCTGAGGGTTAAAGGCAGTGGAGTGGTTCAGGGAGGCACGAGGGTTGGGCGTGGGGGC[T>G]GGGTGGTGTGGGCTGACCCTCATGGCTGTGCGCCGCAGCTGCTCCAGTTCACTGAGCCGC-3'
Protein context (NP_001745.2, residues 233-253): RTAMRVSPHH[Pro243=]APTPNPRASL

ClinVar aggregate classification (germline): Likely benign. Review status: reviewed by expert panel (3 of 4 stars). 4 submissions from 4 submitters: Likely benign (1). 3 of the submissions do not count toward it. Last evaluated 2021-06-25.

Conditions:
Hereditary thrombocytopenia and hematologic cancer predisposition syndrome. Identifiers: Orphanet 71290, MedGen CN281654, MONDO:0011071.
Inborn genetic diseases. Identifiers: MedGen C0950123, MeSH D030342.
Hereditary thrombocytopenia and hematological cancer predisposition syndrome associated with RUNX1. Also called: Familial Platelet Disorder with Propensity to Acute Myelogenous Leukemia; Familial thrombocytopenia with propensity to acute myelogenous leukemia; PLATELET DISORDER, ASPIRIN-LIKE; RUNX1 Familial Platelet Disorder with Associated Myeloid Malignancies. Identifiers: Orphanet 71290, MedGen C1832388, MeSH C563324, MONDO:0100083, OMIM 601399.

Allele frequency attached by ClinVar (database versions not stated): gnomAD 0.00001.
gnomAD v4.1: 2 of 1,611,608 alleles (0.00012%); highest among the groups gnomAD compares: African/African-American, 0.0027%; no homozygotes.

Submissions (4):

ClinGen Myeloid Malignancy Variant Curation Expert Panel
Classification: Likely benign for Hereditary thrombocytopenia and hematologic cancer predisposition syndrome. Last evaluated: 2021-06-25. Review status: reviewed by expert panel. Criteria: ClinGen MyeloMalig ACMG Specifications v2. Collection method: curation. Allele origin: germline. Inheritance: Autosomal dominant inheritance.
Comment: This synonymous variant is predicted by SSF, MES, and SpliceAI to lead to either no change/an increase/a decrease by no more than 10% in the canonical splice site score and no putative cryptic splice sites are created; in addition, evolutionary conservation prediction algorithms predict the site as not being highly conserved (PhyloP score = 0.975787 in GRCh37/1.06724 in GRCh38 or the variant is the reference nucleotide in one primate and/or three mammal species) (BP4+BP7). In summary, this variant meets criteria to be classified as likely benign. ACMG/AMP criteria applied, as specified by the ClinGen Myeloid Malignancy Variant Curation Expert Panel for RUNX1: BP4 and BP7.

Ambry Genetics
Classification: Likely benign for Inborn genetic diseases. Last evaluated: 2024-11-30. Review status: criteria provided, single submitter. Criteria: Ambry Variant Classification Scheme 2023. Collection method: clinical testing. Allele origin: germline. Not counted in ClinVar's aggregate classification.

Labcorp Genetics (formerly Invitae), Labcorp
Classification: Likely benign for Hereditary thrombocytopenia and hematological cancer predisposition syndrome associated with RUNX1. Last evaluated: 2023-08-28. Review status: criteria provided, single submitter. Criteria: Invitae Variant Classification Sherloc (09022015). Collection method: clinical testing. Allele origin: germline. Not counted in ClinVar's aggregate classification.

Genetic Services Laboratory, University of Chicago
Classification: Likely benign. Last evaluated: 2017-04-27. Review status: criteria provided, single submitter. Criteria: ACMG Guidelines, 2015. Collection method: clinical testing. Allele origin: germline. Affected: no. Not counted in ClinVar's aggregate classification.